The following is an entry in ClinVar:

NM_000138.5(FBN1):c.7426C>G (p.Leu2476Val)

Gene: FBN1 (fibrillin 1; minus strand). Cytogenetic location: 15q21.1.
Variant type: single nucleotide variant.
Coding change: c.7426C>G on transcript NM_000138.5 (MANE Select); coding-DNA position 7426, C replaced by G.
Protein change: p.Leu2476Val; replaces leucine 2476 with valine.
Molecular consequence: missense variant.
Genome position (GRCh38, 1-based): chr15:48,425,396, G>C on the plus strand (C>G on the coding strand, the complement: FBN1 is on the minus strand). VCF-style: chr15-48425396-G-C. GRCh37 (hg19) VCF-style: chr15-48717593-G-C.
Other names: c.7426C>G, p.Leu2476Val (NM_001406716.1); short protein forms L2476V.
Identifiers: ClinVar variation 4758841 (VCV004758841.2).

ClinVar aggregate classification (germline): Uncertain significance. Review status: criteria provided, multiple submitters, no conflicts (2 of 4 stars). 2 submissions from 2 submitters: Uncertain significance (2). Last evaluated 2025-12-16.

Conditions:
Familial thoracic aortic aneurysm and aortic dissection (TAAD). Also called: Thoracic aortic aneurysms and dissections. Identifiers: Orphanet 91387, MedGen C4707243, MONDO:0019625.

Submissions (2):

Ambry Genetics
Classification: Uncertain significance for Familial thoracic aortic aneurysm and aortic dissection. Last evaluated: 2025-12-16. Review status: criteria provided, single submitter. Criteria: Ambry Variant Classification Scheme 2023. Collection method: clinical testing. Allele origin: germline.
Comment: The p.L2476V variant (also known as c.7426C>G), located in coding exon 59 of the FBN1 gene, results from a C to G substitution at nucleotide position 7426. The leucine at codon 2476 is replaced by valine, an amino acid with highly similar properties. This amino acid position is conserved. In addition, the in silico prediction for this alteration is inconclusive. Based on the available evidence, the clinical significance of this variant remains unclear.

Color Diagnostics, LLC DBA Color Health
Classification: Uncertain significance for Familial thoracic aortic aneurysm and aortic dissection. Last evaluated: 2025-06-29. Review status: criteria provided, single submitter. Criteria: ACMG Guidelines, 2015. Collection method: clinical testing. Allele origin: germline.
Comment: This missense variant replaces leucine with valine at codon 2476 of the FBN1 protein. Computational prediction suggests that this variant may have deleterious impact on protein structure and function. To our knowledge, functional studies have not been reported for this variant. This variant has not been reported in individuals affected with FBN1-related disorders in the literature. This variant has not been identified in the general population by the Genome Aggregation Database (gnomAD). The available evidence is insufficient to determine the role of this variant in disease conclusively. Therefore, this variant is classified as a Variant of Uncertain Significance.